The following is an entry in ClinVar:

ClinVar aggregate classification (germline): Uncertain significance (1 of 4 stars; one submission).

Submission:

GeneDx
Classification: Uncertain significance. Last evaluated: 2024-08-12. Review status: criteria provided, single submitter. Criteria: GeneDx Variant Classification Process June 2021. Collection method: clinical testing. Allele origin: germline. Affected: yes.
Comment: Not observed at significant frequency in large population cohorts (gnomAD); In silico analysis supports that this missense variant has a deleterious effect on protein structure/function; Has not been previously published as pathogenic or benign to our knowledge

NM_000254.3(MTR):c.335A>C (p.His112Pro)

Gene: MTR (5-methyltetrahydrofolate-homocysteine methyltransferase; plus strand). Cytogenetic location: 1q43.
Variant type: single nucleotide variant.
Coding change: c.335A>C on transcript NM_000254.3 (MANE Select); coding-DNA position 335, A replaced by C.
Protein change: p.His112Pro; replaces histidine 112 with proline.
Molecular consequence: missense variant. On other transcripts: 5 prime UTR variant (1).
Genome position (GRCh38, 1-based): chr1:236,806,229, A>C. VCF-style: chr1-236806229-A-C. GRCh37 (hg19) VCF-style: chr1-236969529-A-C.
Other names: c.335A>C, p.His112Pro (NM_001291939.1, NM_001410942.1); c.-774A>C (NM_001291940.2); short protein forms H112P.
Identifiers: ClinVar variation 3731111 (VCV003731111.1).